The following is an entry in ClinVar:

NM_024782.3(NHEJ1):c.151A>G (p.Thr51Ala)

Gene: NHEJ1 (non-homologous end joining factor 1; minus strand). Cytogenetic location: 2q35.
Variant type: single nucleotide variant.
Coding change: c.151A>G on transcript NM_024782.3 (MANE Select); coding-DNA position 151, A replaced by G.
Protein change: p.Thr51Ala; replaces threonine 51 with alanine.
Molecular consequence: missense variant. On other transcripts: non-coding transcript variant (1).
Genome position (GRCh38, 1-based): chr2:219,158,212, T>C on the plus strand (A>G on the coding strand, the complement: NHEJ1 is on the minus strand). VCF-style: chr2-219158212-T-C. GRCh37 (hg19) VCF-style: chr2-220022934-T-C.
Other names: c.151A>G, p.Thr51Ala (NM_001377498.1, NM_001377499.1); short protein forms T51A.
Identifiers: ClinVar variation 2004671 (VCV002004671.4), dbSNP rs748560680, ClinGen allele CA2117092.

ClinVar aggregate classification (germline): Uncertain significance (1 of 4 stars; one submission).

Conditions:
Cernunnos-XLF deficiency (IMD124). Also called: SCID, AUTOSOMAL RECESSIVE, T CELL-NEGATIVE, B CELL-NEGATIVE, NK CELL-POSITIVE, WITH MICROCEPHALY, GROWTH RETARDATION, AND SENSITIVITY TO IONIZING RADIATION; Severe combined immunodeficiency with sensitivity to ionizing radiation due to NHEJ1 deficiency; SCID, autosomal recessive, T cell-negative, B cell-negative, NK cell-positive, and sensitivity to ionizing radiation due to NHEJ1 deficiency; IMMUNODEFICIENCY 124, SEVERE COMBINED; NHEJ1 SYNDROME. Identifiers: Orphanet 169079, MedGen C1969799, MONDO:0012650, OMIM 611291.

Allele frequency attached by ClinVar (database versions not stated): ExAC 0.00001.

Submission:

Labcorp Genetics (formerly Invitae), Labcorp
Classification: Uncertain significance for Cernunnos-XLF deficiency. Last evaluated: 2024-10-16. Review status: criteria provided, single submitter. Criteria: Invitae Variant Classification Sherloc (09022015). Collection method: clinical testing. Allele origin: germline.
Comment: This sequence change replaces threonine, which is neutral and polar, with alanine, which is neutral and non-polar, at codon 51 of the NHEJ1 protein (p.Thr51Ala). This variant is present in population databases (rs748560680, gnomAD 0.006%). This variant has not been reported in the literature in individuals affected with NHEJ1-related conditions. ClinVar contains an entry for this variant (Variation ID: 2004671). Invitae Evidence Modeling of protein sequence and biophysical properties (such as structural, functional, and spatial information, amino acid conservation, physicochemical variation, residue mobility, and thermodynamic stability) indicates that this missense variant is not expected to disrupt NHEJ1 protein function with a negative predictive value of 80%. In summary, the available evidence is currently insufficient to determine the role of this variant in disease. Therefore, it has been classified as a Variant of Uncertain Significance.